The following is an entry in ClinVar:

ClinVar aggregate classification (germline): Conflicting classifications of pathogenicity. Review status: criteria provided, conflicting classifications (1 of 4 stars). 10 submissions from 10 submitters: Uncertain significance (5); Likely benign (3). 2 of the submissions do not count toward it. Last evaluated 2025-12-02.

Conditions:
Hereditary cancer-predisposing syndrome. Also called: Tumor predisposition; Hereditary Cancer Syndrome; Neoplastic Syndromes, Hereditary; Hereditary neoplastic syndrome. Identifiers: Orphanet 140162, MedGen C0027672, MeSH D009386, MONDO:0015356.
Hereditary breast ovarian cancer syndrome. Also called: Hereditary breast and/or ovarian cancer syndrome; BRCA1- and BRCA2-Associated Hereditary Breast and Ovarian Cancer; Hereditary breast and ovarian cancer; Hereditary breast and ovarian cancer syndrome (HBOC); Breast and ovarian cancer; Hereditary breast and ovarian cancer syndrome. Identifiers: Orphanet 145, MedGen C0677776, MeSH D061325, MONDO:0003582. Disease mechanism: loss of function.
Breast-ovarian cancer, familial, susceptibility to, 2 (BROVCA2). Also called: BRCA2 Hereditary Breast and Ovarian Cancer. Identifiers: Orphanet 145, MedGen C2675520, MONDO:0012933, OMIM 612555. Disease mechanism: loss of function.
Malignant tumor of breast. Also called: Malignant breast neoplasm; Cancer breast. Identifiers: MedGen C0006142, MONDO:0007254. Disease mechanism: loss of function.

Allele frequency attached by ClinVar (database versions not stated): TOPMed below 0.00001; gnomAD exomes 0.00001; ExAC 0.00002.

Submissions (10):

Labcorp Genetics (formerly Invitae), Labcorp
Classification: Likely benign for Hereditary breast ovarian cancer syndrome. Last evaluated: 2025-12-02. Review status: criteria provided, single submitter. Criteria: Invitae Variant Classification Sherloc (09022015). Collection method: clinical testing. Allele origin: germline.

Clinical Genetics Laboratory, Skane University Hospital Lund
Classification: Uncertain significance for Hereditary cancer-predisposing syndrome. Last evaluated: 2025-07-25. Review status: criteria provided, single submitter. Criteria: ACMG Guidelines, 2015. Collection method: clinical testing. Allele origin: germline. Affected: yes.
Comment: ClinGen ENIGMA BRCA1 and BRCA2 Expert Panel Specifications to the ACMG/AMP Variant Interpretation Guidelines for BRCA2 Version 1.2.0. Criteria applied: PP3

Quest Diagnostics Nichols Institute San Juan Capistrano
Classification: Uncertain significance. Last evaluated: 2025-07-09. Review status: criteria provided, single submitter. Criteria: Quest Diagnostics criteria. Collection method: clinical testing. Allele origin: unknown.
Comment: The BRCA2 c.7916C>T (p.Pro2639Leu) variant has been reported in the published literature in individuals with breast and/or ovarian cancer (PMID: 27376475 (2016), 29335924 (2018)). Functional studies demonstrated that this variant had inconclusive effects on protein function, with neutral, intermediate and uncertain functional impacts in different assays (PMID: 29884841 (2019), 35979650 (2022), 32444794 (2020), 39779848 (2025)). The frequency of this variant in the general population (Genome Aggregation Database) is uninformative in the assessment of its pathogenicity. Analysis of this variant using bioinformatics tools for the prediction of the effect of amino acid changes on protein structure and function yielded predictions that this variant is damaging. Based on the available information, we are unable to determine the clinical significance of this variant.

GeneDx
Classification: Uncertain significance. Last evaluated: 2023-04-14. Review status: criteria provided, single submitter. Criteria: GeneDx Variant Classification Process June 2021. Collection method: clinical testing. Allele origin: germline. Affected: yes.
Comment: Published functional studies demonstrate no damaging effect: no impact on homology-directed repair (HDR) activity (Hart et al., 2019; Richardson et al., 2021; Iversen et al., 2022); In silico analysis supports that this missense variant has a deleterious effect on protein structure/function; Identified in an individual with personal and family history of breast cancer (Jakimovska et al., 2018); Not observed at significant frequency in large population cohorts (gnomAD); Also known as 8144C>T; This variant is associated with the following publications: (PMID: 32444794, 33609447, 29884841, 29335924, 35665744, 12228710)

Ambry Genetics
Classification: Likely benign for Hereditary cancer-predisposing syndrome. Last evaluated: 2020-02-26. Review status: criteria provided, single submitter. Criteria: Ambry Variant Classification Scheme 2023. Collection method: clinical testing. Allele origin: germline.

Women's Health and Genetics/Laboratory Corporation of America, LabCorp
Classification: Uncertain significance. Last evaluated: 2018-06-11. Review status: criteria provided, single submitter. Criteria: LabCorp Variant Classification Summary - May 2015. Collection method: clinical testing. Allele origin: germline.
Comment: Variant summary: BRCA2 c.7916C>T (p.Pro2639Leu) results in a non-conservative amino acid change located in the Breast cancer type 2 susceptibility protein, helical domain of the encoded protein sequence. Five of five in-silico tools predict a damaging effect of the variant on protein function. The variant allele was found at a frequency of 8.1e-06 in 246060 control chromosomes (gnomAD). The available data on variant occurrences in the general population are insufficient to allow any conclusion about variant significance. The variant, c.7916C>T, has been reported in the literature in individuals affected with Hereditary Breast and Ovarian Cancer (Deihimi_2017, Jakimovska_2018, Schenkel_2016). These report(s) do not provide unequivocal conclusions about association of the variant with Hereditary Breast and Ovarian Cancer. Co-occurrences with other pathogenic variant(s) have been reported (BRCA2 c.5645C>A, p.Ser1882X), providing supporting evidence for a benign role. To our knowledge, no experimental evidence demonstrating an impact on protein function has been reported. Two ClinVar submissions from clinical diagnostic laboratories (evaluation after 2014) cite the variant as uncertain significance. Based on the evidence outlined above, the variant was classified as VUS-possibly benign.

Color Diagnostics, LLC DBA Color Health
Classification: Likely benign for Hereditary cancer-predisposing syndrome. Last evaluated: 2018-02-14. Review status: criteria provided, single submitter. Criteria: ACMG Guidelines, 2015. Collection method: clinical testing. Allele origin: germline.

PreventionGenetics, part of Exact Sciences
Classification: Uncertain significance. Last evaluated: 2017-12-12. Review status: criteria provided, single submitter. Criteria: ACMG Guidelines, 2015. Collection method: clinical testing. Allele origin: germline.

Sharing Clinical Reports Project (SCRP)
Classification: Benign for Breast-ovarian cancer, familial 2. Last evaluated: 2013-12-17. Review status: no assertion criteria provided. Collection method: clinical testing. Allele origin: germline. Not counted in ClinVar's aggregate classification.

Department of Pathology and Laboratory Medicine, Sinai Health System
Classification: Uncertain significance for Malignant tumor of breast. Review status: no assertion criteria provided. Collection method: clinical testing. Allele origin: unknown. Affected: yes. Observed: 1 variant allele. Study: The Canadian Open Genetics Repository (COGR). Not counted in ClinVar's aggregate classification.
Comment: The p.Pro2639Leu variant was not identified in the literature nor was it identified in the dbSNP, NHLBI Exome Sequencing Project (Exome Variant Server), HGMD, LOVD, COSMIC, ClinVar, or BIC databases. The variant was identified in UMD in one sample (as an unclassified variant); this sample had a co-occurring pathogenic BRCA2 variant (c.5645C>A (p.Ser1882X)), increasing the likelihood that the p.Pro2639Leu variant does not have clinical significance. The p.Pro2639 residue is conserved across mammals and lower organisms, and computational analyses (PolyPhen-2, SIFT, AlignGVGD, BLOSUM, MutationTaster) suggest that the p.Pro2639Leu variant may impact the protein. However, this information is not predictive enough to assume pathogenicity. In summary, based on the above information, the clinical significance of this variant cannot be determined with certainty at this time. This variant is classified as a variant of unknown significance.

Literature cited by the submitters: PubMed 29335924 (cited by Quest Diagnostics Nichols Institute San Juan Capistrano and Women's Health and Genetics/Laboratory Corporation of America, LabCorp); PubMed 27376475 (cited by Quest Diagnostics Nichols Institute San Juan Capistrano); PubMed 32444794 (cited by Quest Diagnostics Nichols Institute San Juan Capistrano); PubMed 39779848 (cited by Quest Diagnostics Nichols Institute San Juan Capistrano); PubMed 35979650 (cited by Quest Diagnostics Nichols Institute San Juan Capistrano); PubMed 29884841 (cited by Quest Diagnostics Nichols Institute San Juan Capistrano and Ambry Genetics); PubMed 28591715 (cited by Women's Health and Genetics/Laboratory Corporation of America, LabCorp).

NM_000059.4(BRCA2):c.7916C>T (p.Pro2639Leu)

Gene: BRCA2 (BRCA2 DNA repair associated; plus strand). Cytogenetic location: 13q13.1.
Variant type: single nucleotide variant.
Coding change: c.7916C>T on transcript NM_000059.4 (MANE Select); coding-DNA position 7916, C replaced by T.
Protein change: p.Pro2639Leu; replaces proline 2639 with leucine.
Molecular consequence: missense variant.
Genome position (GRCh38, 1-based): chr13:32,362,633, C>T. VCF-style: chr13-32362633-C-T. GRCh37 (hg19) VCF-style: chr13-32936770-C-T.
Other names: 8144C>T; short protein forms P2639L.
Identifiers: ClinVar variation 216260 (VCV000216260.29), dbSNP rs774723315, ClinGen allele CA338873.